The following is an entry in ClinVar:

NM_001101362.3(KBTBD13):c.86del (p.Cys29fs)

Gene: KBTBD13 (kelch repeat and BTB domain containing 13; plus strand). Cytogenetic location: 15q22.31.
Variant type: Deletion.
Coding change: c.86del on transcript NM_001101362.3 (MANE Select); coding-DNA position 86, one base deleted (G; older notation c.86delG).
Protein change: p.Cys29fs; shifts the reading frame from cysteine 29.
Molecular consequence: frameshift variant.
Genome position (GRCh38, 1-based): chr15:65,076,901, G deleted. VCF-style (leftmost placement, unchanged base first): chr15-65076900-TG-T. GRCh37 (hg19) VCF-style: chr15-65369238-TG-T.
Other names: short protein forms C29fs.
Identifiers: ClinVar variation 1368417 (VCV001368417.8), dbSNP rs1191393272, ClinGen allele CA618956879.
Genomic context (GRCh38, chr15:65,076,900, plus strand): 5'-GTGCAGGTGTGGGTGGGCGGCCAGCTCTTCCAAGCCGACCGCGCCCTGCTGGTGGAGCAC[TG>T]TGGCTTCTTCCGAGGCCTCTTCCGCTCCGGCATGCGGGAGACCCGCGCAGCAGAGGTGCG-3'

ClinVar aggregate classification (germline): Uncertain significance (1 of 4 stars; one submission).

Conditions:
Nemaline myopathy 6 (NEM6). Also called: Nemaline myopathy 6, autosomal dominant. Identifiers: Orphanet 171439, MedGen C1836472, MONDO:0012237, OMIM 609273.

Allele frequency attached by ClinVar (database versions not stated): TOPMed below 0.00001.

Submission:

Labcorp Genetics (formerly Invitae), Labcorp
Classification: Uncertain significance for Nemaline myopathy 6. Last evaluated: 2022-10-04. Review status: criteria provided, single submitter. Criteria: Invitae Variant Classification Sherloc (09022015). Collection method: clinical testing. Allele origin: germline.
Comment: ClinVar contains an entry for this variant (Variation ID: 1368417). This variant has not been reported in the literature in individuals affected with KBTBD13-related conditions. This variant is present in population databases (no rsID available, gnomAD 0.007%). This sequence change creates a premature translational stop signal (p.Cys29Leufs*25) in the KBTBD13 gene. While this is not anticipated to result in nonsense mediated decay, it is expected to disrupt the last 430 amino acid(s) of the KBTBD13 protein. In summary, the available evidence is currently insufficient to determine the role of this variant in disease. Therefore, it has been classified as a Variant of Uncertain Significance.